The following is an entry in ClinVar:

ClinVar aggregate classification (germline): Pathogenic. Review status: criteria provided, multiple submitters, no conflicts (2 of 4 stars). 6 submissions from 6 submitters: Pathogenic (5). 1 of the submissions does not count toward it. Last evaluated 2026-01-24.

Conditions:
Vanishing white matter disease. Also called: Childhood ataxia with diffuse central nervous system hypomyelination; Leukoencephalopathy with vanishing white matter; CACH/VWM syndrome; Cree leukoencehalopathy; CACH syndrome. Identifiers: Orphanet 135, Orphanet 99853, MedGen C1858991, MONDO:0800448.
EIF2B5-related disorder. Also called: EIF2B5-related condition.

Allele frequency attached by ClinVar (database versions not stated): gnomAD exomes below 0.00001; TOPMed 0.00002.
gnomAD v4.1: 4 of 1,614,156 alleles (0.00025%); highest among the groups gnomAD compares: Admixed American, 0.0017%; no homozygotes.

Submissions (6):

Labcorp Genetics (formerly Invitae), Labcorp
Classification: Pathogenic. Last evaluated: 2026-01-24. Review status: criteria provided, single submitter. Criteria: Invitae Variant Classification Sherloc (09022015). Collection method: clinical testing. Allele origin: germline.
Comment: This sequence change replaces arginine, which is basic and polar, with histidine, which is basic and polar, at codon 136 of the EIF2B5 protein (p.Arg136His). This variant is not present in population databases (gnomAD no frequency). This missense change has been observed in individuals with clinical features of leukoencephalopathy with vanishing white matter (PMID: 16041584, 25230711). ClinVar contains an entry for this variant (Variation ID: 802032). Invitae Evidence Modeling of protein sequence and biophysical properties (such as structural, functional, and spatial information, amino acid conservation, physicochemical variation, residue mobility, and thermodynamic stability) indicates that this missense variant is expected to disrupt EIF2B5 protein function with a positive predictive value of 80%. Experimental studies have shown that this missense change affects EIF2B5 function (PMID: 20826436, 22073122, 28306143). This variant disrupts the p.Arg136 amino acid residue in EIF2B5. Other variant(s) that disrupt this residue have been observed in individuals with EIF2B5-related conditions (PMID: 20958979, 21560189), which suggests that this may be a clinically significant amino acid residue. For these reasons, this variant has been classified as Pathogenic.

GeneDx
Classification: Pathogenic. Last evaluated: 2025-03-21. Review status: criteria provided, single submitter. Criteria: GeneDx Variant Classification Process June 2021. Collection method: clinical testing. Allele origin: germline. Affected: yes.
Comment: Published functional studies in mice show that homozygosity for the R136H variant alters EIF2B5 protein expression in the brain and results in delayed development of brain white matter (PMID: 20826436, 22073122); Not observed at significant frequency in large population cohorts (gnomAD); This variant is associated with the following publications: (PMID: 22073122, 16041584, 20958979, 28306143, 38886214, 37597066, 20826436, 34745209, 25230711)

Natera, Inc.
Classification: Pathogenic for Leukoencephalopathy with vanishing white matter. Last evaluated: 2024-10-24. Review status: criteria provided, single submitter. Criteria: Natera Variant Classification Schema (03/2026). Collection method: clinical testing. Allele origin: germline.
Comment: The c.407G>A variant in EIF2B5 is a missense variant predicted to cause substitution of arginine to histidine at amino acid 136. This variant is rare in the general population with a frequency below the threshold expected for the associated phenotype(s). This variant has been observed in one or more individuals affected with the associated recessive disease, as either homozygous or compound heterozygous with a second variant (PMID: 30293248, 33547378, 33432707, 34745209). Functional studies show that this variant may disrupt protein function (PMID: 20826436). A different variant at the same position has been determined to be Pathogenic or Likely Pathogenic. Computational prediction algorithms indicate this variant is likely to affect gene or protein function. Given the available evidence, this variant is classified as Pathogenic.

Dasa
Classification: Pathogenic. Last evaluated: 2024-09-13. Review status: criteria provided, single submitter. Criteria: DASA Assertion Criteria. Collection method: clinical testing. Allele origin: germline.
Comment: NM_003907.3(EIF2B5):c.407G>A (p.Arg136His) is a missense variant that results in the substitution of arginine with histidine. Functional evidence supports a deleterious effect on the gene or gene product (PMID: 20826436; PMID: 22073122; PMID: 16041584; PMID: 25230711; PMID: 20958979). This variant has been recurrently observed in individuals with related phenotype (PMID: 20826436; PMID: 22073122; PMID: 16041584; PMID: 25230711; PMID: 20958979). The variant is present at low frequency in population datasets. Based on the available data, this variant is classified as pathogenic.

Mendelics
Classification: Pathogenic for Leukoencephalopathy with vanishing white matter 1. Last evaluated: 2019-05-28. Review status: criteria provided, single submitter. Criteria: Mendelics Assertion Criteria 2017. Collection method: clinical testing. Allele origin: unknown.

PreventionGenetics, part of Exact Sciences
Classification: Pathogenic for EIF2B5-related condition. Last evaluated: 2023-12-24. Review status: no assertion criteria provided. Collection method: clinical testing. Allele origin: germline. Not counted in ClinVar's aggregate classification.
Comment: The EIF2B5 c.407G>A variant is predicted to result in the amino acid substitution p.Arg136His. This variant has been reported in the homozygous and presumed compound heterozygous states in multiple individuals with EIF2B-related leukoencephalopathy with vanishing white matter (Kantor et al. 2005. PubMed ID: 16041584; Sharma et al. 2015. PubMed ID: 25230711; Deng et al. 2021. PubMed ID: 34745209). Extensive in vivo and in vitro experimental studies using a homozygous knock-in mouse model have demonstrated that this variant leads to numerous functional defects, including: reduced enzymatic activity of the EIF2B complex, abnormal white matter development, an inability to repair damaged tissue following brain injury, widespread spatiotemporal changes to gene expression patterns in developing brain tissue, and mitochondrial dysfunction due to impaired oxidative phosphorylation (Geva et al. 2010. PubMed ID: 20826436; Marom et al. 2011. PubMed ID: 22073122; Cabilly et al. 2012. PubMed ID: 23056417; Raini et al. 2017. PubMed ID: 28306143). This variant has not been reported in a large population database, indicating this variant is rare. Taken together, this variant is interpreted as pathogenic.

Literature cited by the submitters: PubMed 16041584 (cited by Labcorp Genetics (formerly Invitae), Labcorp and Dasa); PubMed 25230711 (cited by Labcorp Genetics (formerly Invitae), Labcorp and Dasa); PubMed 20826436 (cited by 3 submitters); PubMed 22073122 (cited by Labcorp Genetics (formerly Invitae), Labcorp and Dasa); PubMed 28306143 (cited by Labcorp Genetics (formerly Invitae), Labcorp); PubMed 20958979 (cited by Labcorp Genetics (formerly Invitae), Labcorp and Dasa); PubMed 21560189 (cited by Labcorp Genetics (formerly Invitae), Labcorp and Dasa); PubMed 30293248 (cited by Natera, Inc.); PubMed 33547378 (cited by Natera, Inc.); PubMed 33432707 (cited by Natera, Inc.); PubMed 34745209 (cited by Natera, Inc.).

NM_003907.3(EIF2B5):c.407G>A (p.Arg136His)

Gene: EIF2B5 (eukaryotic translation initiation factor 2B subunit epsilon; plus strand). Cytogenetic location: 3q27.1.
Variant type: single nucleotide variant.
Coding change: c.407G>A on transcript NM_003907.3 (MANE Select); coding-DNA position 407, G replaced by A.
Protein change: p.Arg136His; replaces arginine 136 with histidine.
Molecular consequence: missense variant.
Genome position (GRCh38, 1-based): chr3:184,137,706, G>A. VCF-style: chr3-184137706-G-A. GRCh37 (hg19) VCF-style: chr3-183855494-G-A.
Other names: c.407G>A (NM_003907.2); short protein forms R136H.
Identifiers: ClinVar variation 802032 (VCV000802032.19), dbSNP rs958193703, ClinGen allele CA88840414.